The following is an entry in ClinVar:

ClinVar aggregate classification (germline): Uncertain significance (1 of 4 stars; one submission).

Conditions:
Hereditary cancer-predisposing syndrome. Also called: Neoplastic Syndromes, Hereditary; Hereditary Cancer Syndrome; Tumor predisposition; Hereditary neoplastic syndrome. Identifiers: Orphanet 140162, MedGen C0027672, MeSH D009386, MONDO:0015356.

Submission:

Ambry Genetics
Classification: Uncertain significance for Hereditary cancer-predisposing syndrome. Last evaluated: 2023-01-18. Review status: criteria provided, single submitter. Criteria: Ambry Variant Classification Scheme 2023. Collection method: clinical testing. Allele origin: germline.
Comment: The p.S898R variant (also known as c.2694C>G), located in coding exon 17 of the CTNNA1 gene, results from a C to G substitution at nucleotide position 2694. The serine at codon 898 is replaced by arginine, an amino acid with dissimilar properties. This amino acid position is conserved. In addition, the in silico prediction for this alteration is inconclusive. Since supporting evidence is limited at this time, the clinical significance of this alteration remains unclear.

NM_001903.5(CTNNA1):c.2694C>G (p.Ser898Arg)

Gene: CTNNA1 (catenin alpha 1; plus strand). Cytogenetic location: 5q31.2.
Variant type: single nucleotide variant.
Coding change: c.2694C>G on transcript NM_001903.5 (MANE Select); coding-DNA position 2694, C replaced by G.
Protein change: p.Ser898Arg; replaces serine 898 with arginine.
Molecular consequence: missense variant. On other transcripts: 3 prime UTR variant (5).
Genome position (GRCh38, 1-based): chr5:138,934,062, C>G. VCF-style: chr5-138934062-C-G. GRCh37 (hg19) VCF-style: chr5-138269751-C-G.
Other names: c.*239C>G (NM_001290307.3, NM_001324002.1, NM_001324003.1 and 2 more transcripts); c.2385C>G, p.Ser795Arg (NM_001290309.3); c.2325C>G, p.Ser775Arg (NM_001290310.3); c.1584C>G, p.Ser528Arg (NM_001290312.1, NM_001323987.1, NM_001323988.1 and 12 more transcripts); c.2694C>G, p.Ser898Arg (NM_001323982.2, NM_001323983.1, NM_001323984.2); c.2667C>G, p.Ser889Arg (NM_001323985.2); c.2601C>G, p.Ser867Arg (NM_001323986.2); c.1449C>G, p.Ser483Arg (NM_001324001.1); and 3 more; short protein forms S528R, S775R, S415R, S447R, S483R, S497R, S795R, S867R.
Identifiers: ClinVar variation 2448342 (VCV002448342.2), dbSNP rs374705823, ClinGen allele CA361135788.